The following is an entry in ClinVar:

NM_020821.3(VPS13C):c.7961A>G (p.His2654Arg)

Gene: VPS13C (vacuolar protein sorting 13 homolog C; minus strand). Cytogenetic location: 15q22.2.
Variant type: single nucleotide variant.
Coding change: c.7961A>G on transcript NM_020821.3 (MANE Select); coding-DNA position 7961, A replaced by G.
Protein change: p.His2654Arg; replaces histidine 2654 with arginine.
Molecular consequence: missense variant.
Genome position (GRCh38, 1-based): chr15:61,917,435, T>C on the plus strand (A>G on the coding strand, the complement: VPS13C is on the minus strand). VCF-style: chr15-61917435-T-C. GRCh37 (hg19) VCF-style: chr15-62209634-T-C.
Other names: c.7961A>G, p.His2654Arg (NM_001018088.3); c.7832A>G, p.His2611Arg (NM_017684.5, NM_018080.4); short protein forms H2611R, H2654R.
Identifiers: ClinVar variation 1514753 (VCV001514753.8), dbSNP rs2043507406, ClinGen allele CA392679201.

ClinVar aggregate classification (germline): Uncertain significance (1 of 4 stars; one submission).

Allele frequency attached by ClinVar (database versions not stated): TOPMed below 0.00001.

Submission:

Labcorp Genetics (formerly Invitae), Labcorp
Classification: Uncertain significance. Last evaluated: 2021-03-24. Review status: criteria provided, single submitter. Criteria: Invitae Variant Classification Sherloc (09022015). Collection method: clinical testing. Allele origin: germline.
Comment: Algorithms developed to predict the effect of missense changes on protein structure and function output the following: SIFT: "Tolerated"; PolyPhen-2: "Benign"; Align-GVGD: "Class C0". The arginine amino acid residue is found in multiple mammalian species, suggesting that this missense change does not adversely affect protein function. These predictions have not been confirmed by published functional studies and their clinical significance is uncertain. This sequence change replaces histidine with arginine at codon 2654 of the VPS13C protein (p.His2654Arg). The histidine residue is moderately conserved and there is a small physicochemical difference between histidine and arginine. This variant is not present in population databases (ExAC no frequency). This variant has not been reported in the literature in individuals with VPS13C-related conditions. In summary, the available evidence is currently insufficient to determine the role of this variant in disease. Therefore, it has been classified as a Variant of Uncertain Significance.